The following is an entry in ClinVar:

ClinVar aggregate classification (germline): Uncertain significance (1 of 4 stars; one submission).

Conditions:
Progressive familial heart block type IB (PFHB1B). Identifiers: Orphanet 871, MedGen C1970298, MONDO:0011474, OMIM 604559.

Allele frequency attached by ClinVar (database versions not stated): gnomAD 0.00001; TOPMed 0.00001; ESP Exome Variant Server 0.00008.
gnomAD v4.1: 2 of 1,613,658 alleles (0.00012%); highest among the groups gnomAD compares: African/African-American, 0.0027%; no homozygotes.

Submission:

Labcorp Genetics (formerly Invitae), Labcorp
Classification: Uncertain significance for Progressive familial heart block type IB. Last evaluated: 2022-11-24. Review status: criteria provided, single submitter. Criteria: Invitae Variant Classification Sherloc (09022015). Collection method: clinical testing. Allele origin: germline.
Comment: Algorithms developed to predict the effect of sequence changes on RNA splicing suggest that this variant may create or strengthen a splice site. This variant has not been reported in the literature in individuals affected with TRPM4-related conditions. This variant is present in population databases (rs372309025, gnomAD 0.01%). This sequence change falls in intron 21 of the TRPM4 gene. It does not directly change the encoded amino acid sequence of the TRPM4 protein. In summary, the available evidence is currently insufficient to determine the role of this variant in disease. Therefore, it has been classified as a Variant of Uncertain Significance.

NM_017636.4(TRPM4):c.3329-18C>G

Gene: TRPM4 (transient receptor potential cation channel subfamily M member 4; plus strand). Cytogenetic location: 19q13.33.
Variant type: single nucleotide variant.
Coding change: c.3329-18C>G on transcript NM_017636.4 (MANE Select); 18 bases into the intron before coding-DNA position 3329, C replaced by G.
Molecular consequence: intron variant.
Genome position (GRCh38, 1-based): chr19:49,210,692, C>G. VCF-style: chr19-49210692-C-G. GRCh37 (hg19) VCF-style: chr19-49713949-C-G.
Other names: c.2894-18C>G (NM_001195227.2); c.1721-18C>G (NM_001321282.2); c.2984-18C>G (NM_001321281.2); c.2807-18C>G (NM_001321283.2); c.2267-18C>G (NM_001321285.2).
Identifiers: ClinVar variation 2827370 (VCV002827370.3), dbSNP rs372309025, ClinGen allele CA309420568.